The following is an entry in ClinVar:

NM_000359.3(TGM1):c.1819C>T (p.Arg607Cys)

Gene: TGM1 (transglutaminase 1; minus strand). Cytogenetic location: 14q12.
Variant type: single nucleotide variant.
Coding change: c.1819C>T on transcript NM_000359.3 (MANE Select); coding-DNA position 1819, C replaced by T.
Protein change: p.Arg607Cys; replaces arginine 607 with cysteine.
Molecular consequence: missense variant.
Genome position (GRCh38, 1-based): chr14:24,255,080, G>A on the plus strand (C>T on the coding strand, the complement: TGM1 is on the minus strand). VCF-style: chr14-24255080-G-A. GRCh37 (hg19) VCF-style: chr14-24724286-G-A.
Other names: short protein forms R607C.
Identifiers: ClinVar variation 709472 (VCV000709472.39), dbSNP rs2229464, ClinGen allele CA7130975.
Genomic context (GRCh38, chr14:24,255,080, plus strand): 5'-TACCACTGACACCAGTATAGAAAGTGACTGAGAGGTAGAGGTGCAGTTTCACTGTGCGGC[G>A]GCTGCTGCTGTGATTGATCAGCATCACAGAGACCATCAGATCCTGCCCCATCACCGCGTC-3'
Protein context (NP_000350.1, residues 597-617): SVMLINHSSS[Arg607Cys]RTVKLHLYLS

ClinVar aggregate classification (germline): Benign. Review status: criteria provided, multiple submitters, no conflicts (2 of 4 stars). 7 submissions from 7 submitters: Benign (5). 2 of the submissions do not count toward it. Last evaluated 2026-01-28.

Conditions:
Autosomal recessive congenital ichthyosis 1 (LI1). Also called: ICHTHYOSIS, CONGENITAL, AUTOSOMAL RECESSIVE 1, WITH BATHING SUIT DISTRIBUTION; ICHTHYOSIS, CONGENITAL, AUTOSOMAL RECESSIVE 1, WITH OR WITHOUT BATHING SUIT DISTRIBUTION; COLLODION FETUS; DESQUAMATION OF NEWBORN; ICHTHYOSIS CONGENITA; ICHTHYOSIS CONGENITA II. Identifiers: MedGen C4551630, MONDO:0009441, OMIM 242300.
TGM1-related disorder. Also called: TGM1-related condition.

Allele frequency attached by ClinVar (database versions not stated): ESP Exome Variant Server 0.00638; 1000 Genomes Project 30x 0.00656; gnomAD exomes 0.00109; ExAC 0.00140; gnomAD 0.00382; TOPMed 0.00439; 1000 Genomes Project 0.00479.
gnomAD v4.1: 1,239 of 1,614,146 alleles (0.077%); highest among the groups gnomAD compares: African/African-American, 1.5%; 13 homozygotes.

Submissions (7):

Labcorp Genetics (formerly Invitae), Labcorp
Classification: Benign. Last evaluated: 2026-01-28. Review status: criteria provided, single submitter. Criteria: Invitae Variant Classification Sherloc (09022015). Collection method: clinical testing. Allele origin: germline.

CeGaT Center for Human Genetics Tuebingen
Classification: Benign. Last evaluated: 2024-04-01. Review status: criteria provided, single submitter. Criteria: CeGaT Center For Human Genetics Tuebingen Variant Classification Criteria Version 2. Collection method: clinical testing. Allele origin: germline. Affected: yes. Observed: 1 variant allele.
Comment: TGM1: BP4, BS1, BS2

Illumina Laboratory Services, Illumina
Classification: Benign for Autosomal recessive congenital ichthyosis 1. Last evaluated: 2017-10-29. Review status: criteria provided, single submitter. Criteria: ICSL Variant Classification Criteria 13 December 2019. Collection method: clinical testing. Allele origin: germline.
Comment: This variant was observed as part of a predisposition screen in an ostensibly healthy population. A literature search was performed for the gene, cDNA change, and amino acid change (where applicable). No publications were found based on this search. Allele frequency data from public databases was too high to be consistent with this variant causing disease. Therefore, this variant is classified as benign.

Breakthrough Genomics
Classification: Benign. Review status: criteria provided, single submitter. Criteria: ACMG Guidelines, 2015. Collection method: not provided. Allele origin: germline. Inheritance: Autosomal recessive inheritance. Affected: yes.

Genome-Nilou Lab
Classification: Benign for Autosomal recessive congenital ichthyosis 1. Review status: criteria provided, single submitter. Criteria: ACMG Guidelines, 2015. Collection method: clinical testing. Allele origin: germline.

Natera, Inc.
Classification: Benign for Autosomal recessive congenital ichthyosis type 1. Last evaluated: 2020-04-17. Review status: no assertion criteria provided. Collection method: clinical testing. Allele origin: germline. Not counted in ClinVar's aggregate classification.

PreventionGenetics, part of Exact Sciences
Classification: Benign for TGM1-related condition. Last evaluated: 2020-02-27. Review status: no assertion criteria provided. Collection method: clinical testing. Allele origin: germline. Not counted in ClinVar's aggregate classification.
Comment: This variant is classified as benign based on ACMG/AMP sequence variant interpretation guidelines (Richards et al. 2015 PMID: 25741868, with internal and published modifications).